The following is an entry in ClinVar:

NM_001458.5(FLNC):c.1274del (p.Glu425fs)

Gene: FLNC (filamin C; plus strand). Cytogenetic location: 7q32.1.
Variant type: Deletion.
Coding change: c.1274del on transcript NM_001458.5 (MANE Select); coding-DNA position 1274, one base deleted (A; older notation c.1274delA).
Protein change: p.Glu425fs; shifts the reading frame from glutamic acid 425.
Molecular consequence: frameshift variant.
Genome position (GRCh38, 1-based): chr7:128,838,666, A deleted. VCF-style (leftmost placement, unchanged base first): chr7-128838665-GA-G. GRCh37 (hg19) VCF-style: chr7-128478719-GA-G.
Other names: c.1274del, p.Glu425fs (NM_001127487.2); short protein forms E425fs.
Identifiers: ClinVar variation 1766208 (VCV001766208.2), dbSNP rs2536622113, ClinGen allele CA2580076604.

ClinVar aggregate classification (germline): Pathogenic (1 of 4 stars; one submission).

Conditions:
Cardiovascular phenotype. Identifiers: MedGen CN230736.

Submission:

Ambry Genetics
Classification: Pathogenic for Cardiovascular phenotype. Last evaluated: 2021-08-24. Review status: criteria provided, single submitter. Criteria: Ambry Variant Classification Scheme 2023. Collection method: clinical testing. Allele origin: germline.
Comment: The c.1274delA pathogenic mutation, located in coding exon 8 of the FLNC gene, results from a deletion of one nucleotide at nucleotide position 1274, causing a translational frameshift with a predicted alternate stop codon (p.E425Gfs*67). This variant is considered to be rare based on population cohorts in the Genome Aggregation Database (gnomAD). This alteration is expected to result in loss of function by premature protein truncation or nonsense-mediated mRNA decay. As such, this alteration is interpreted as a disease-causing mutation.